The following is an entry in ClinVar:

NM_005228.5(EGFR):c.1881-704G>T

Gene: EGFR (epidermal growth factor receptor; plus strand). Cytogenetic location: 7p11.2.
Variant type: single nucleotide variant.
Coding change: c.1881-704G>T on transcript NM_005228.5 (MANE Select); 704 bases into the intron before coding-DNA position 1881, G replaced by T.
Molecular consequence: intron variant. On other transcripts: missense variant (1).
Genome position (GRCh38, 1-based): chr7:55,170,471, G>T. VCF-style: chr7-55170471-G-T. GRCh37 (hg19) VCF-style: chr7-55238164-G-T.
Other names: c.1746-704G>T (NM_001346899.2, NM_001346897.2); c.1080-704G>T (NM_001346941.2); c.1881-704G>T (NM_001346898.2); c.1722-704G>T (NM_001346900.2); c.2045G>T, p.Gly682Val (NM_201284.2); short protein forms G682V.
Identifiers: ClinVar variation 5035761 (VCV005035761.1).

ClinVar aggregate classification (germline): Uncertain significance (1 of 4 stars; one submission).

Conditions:
Hereditary cancer-predisposing syndrome. Also called: Hereditary Cancer Syndrome; Neoplastic Syndromes, Hereditary; Tumor predisposition; Hereditary neoplastic syndrome. Identifiers: Orphanet 140162, MedGen C0027672, MeSH D009386, MONDO:0015356.

gnomAD v4.1: 5 of 1,613,990 alleles (0.00031%); highest among the groups gnomAD compares: Middle Eastern, 0.016%; no homozygotes.

Submission:

Ambry Genetics
Classification: Uncertain significance for Hereditary cancer-predisposing syndrome. Last evaluated: 2026-07-07. Review status: criteria provided, single submitter. Criteria: Ambry Variant Classification Scheme 2023. Collection method: clinical testing. Allele origin: germline.
Comment: The p.G682V variant (also known as c.2045G>T), located in coding exon 16 of the EGFR gene, results from a G to T substitution at nucleotide position 2045. The glycine at codon 682 is replaced by valine, an amino acid with dissimilar properties. This amino acid position is conserved. In addition, this alteration is predicted to be tolerated by in silico analysis. Based on the available evidence, the clinical significance of this variant remains unclear.